The following is an entry in ClinVar:

ClinVar aggregate classification (germline): Conflicting classifications of pathogenicity. Review status: criteria provided, conflicting classifications (1 of 4 stars). 9 submissions from 9 submitters: Uncertain significance (6); Likely benign (1). 2 of the submissions do not count toward it. Last evaluated 2026-06-22.

Conditions:
Cardiovascular phenotype. Identifiers: MedGen CN230736.
Arrhythmogenic right ventricular dysplasia 12. Also called: ARRHYTHMOGENIC RIGHT VENTRICULAR DYSPLASIA, FAMILIAL, 12. Identifiers: MedGen C1969081, MONDO:0012684, OMIM 611528.
Naxos disease (NXD). Also called: KERATOSIS PALMOPLANTARIS WITH ARRHYTHMOGENIC CARDIOMYOPATHY; MAL DE NAXOS; PALMOPLANTAR KERATODERMA WITH ARRHYTHMOGENIC RIGHT VENTRICULAR CARDIOMYOPATHY AND WOOLLY HAIR; CARDIOMYOPATHY, ARRHYTHMOGENIC RIGHT VENTRICULAR, WITH SKIN, HAIR, AND NAIL ABNORMALITIES; WOOLLY HAIR, PALMOPLANTAR KERATODERMA, AND CARDIAC ABNORMALITIES. Identifiers: Orphanet 34217, MedGen C1832600, MONDO:0011017, OMIM 601214.

Allele frequency attached by ClinVar (database versions not stated): ExAC 0.00003; gnomAD exomes 0.00004 and 0.00008; gnomAD 0.00006; TOPMed 0.00008; 1000 Genomes Project 30x 0.00016; 1000 Genomes Project 0.00020.
gnomAD v4.1: 117 of 1,613,638 alleles (0.0073%); highest among the groups gnomAD compares: African/African-American, 0.012%; no homozygotes.

Submissions (9):

Women's Health and Genetics/Laboratory Corporation of America, LabCorp
Classification: Uncertain significance. Last evaluated: 2026-06-22. Review status: criteria provided, single submitter. Criteria: LabCorp Variant Classification Summary - May 2015. Collection method: clinical testing. Allele origin: germline.
Comment: Variant summary: JUP c.1909C>T (p.Arg637Cys) results in a non-conservative amino acid change in the encoded protein sequence. Algorithms developed to predict the effect of missense changes on protein structure and function are either unavailable or do not agree on the potential impact of this missense change. The variant allele was found at a frequency of 4e-05 in 248158 control chromosomes. The observed variant frequency exceeds the estimated maximal expected allele frequency for disease-causing variants in JUP. c.1909C>T has been observed in an individual affected with JUP-related conditions without evidence of causality (Mazzarotto_2021). These report(s) do not provide unequivocal conclusions about association of the variant with disease. To our knowledge, no experimental evidence demonstrating an impact on protein function has been reported. The following publication have been ascertained in the context of this evaluation (PMID: 33500567). ClinVar contains an entry for this variant (Variation ID: 179915). Based on the evidence outlined above, the variant was classified as uncertain significance.

Labcorp Genetics (formerly Invitae), Labcorp
Classification: Uncertain significance for Arrhythmogenic right ventricular dysplasia 12; Naxos disease. Last evaluated: 2025-01-08. Review status: criteria provided, single submitter. Criteria: Invitae Variant Classification Sherloc (09022015). Collection method: clinical testing. Allele origin: germline.
Comment: This sequence change replaces arginine, which is basic and polar, with cysteine, which is neutral and slightly polar, at codon 637 of the JUP protein (p.Arg637Cys). This variant is present in population databases (rs531732438, gnomAD 0.02%). This missense change has been observed in individual(s) with clinical features of JUP-related conditions (PMID: 33500567). ClinVar contains an entry for this variant (Variation ID: 179915). An algorithm developed to predict the effect of missense changes on protein structure and function (PolyPhen-2) suggests that this variant¬¨‚Ä†is likely to be tolerated. In summary, the available evidence is currently insufficient to determine the role of this variant in disease. Therefore, it has been classified as a Variant of Uncertain Significance.

Blueprint Genetics
Classification: Uncertain significance. Last evaluated: 2024-10-09. Review status: criteria provided, single submitter. Criteria: ACMG Guidelines, 2015. Collection method: clinical testing. Allele origin: germline.

Ambry Genetics
Classification: Likely benign for Cardiovascular phenotype. Last evaluated: 2023-01-27. Review status: criteria provided, single submitter. Criteria: Ambry Variant Classification Scheme 2023. Collection method: clinical testing. Allele origin: germline.

Fulgent Genetics
Classification: Uncertain significance for Naxos disease; Arrhythmogenic right ventricular dysplasia 12. Last evaluated: 2021-07-25. Review status: criteria provided, single submitter. Criteria: ACMG Guidelines, 2015. Collection method: clinical testing. Allele origin: unknown.

GeneDx
Classification: Uncertain significance. Last evaluated: 2020-02-05. Review status: criteria provided, single submitter. Criteria: GeneDx Variant Classification Process June 2021. Collection method: clinical testing. Allele origin: germline. Affected: yes.
Comment: Has not been previously published as pathogenic or benign to our knowledge; Identified in conjunction with additional variants in individuals referred for genetic testing at GeneDx; segregation data are limited at this time; Reported in ClinVar as a variant of uncertain significance (ClinVar Variant ID# 179915; Landrum et al., 2016); In silico analysis supports that this missense variant has a deleterious effect on protein structure/function

Laboratory for Molecular Medicine, Mass General Brigham Personalized Medicine
Classification: Uncertain significance. Last evaluated: 2014-08-08. Review status: criteria provided, single submitter. Criteria: LMM Criteria. Collection method: clinical testing. Allele origin: germline. Observed: 1 variant allele.
Comment: The Arg637Cys variant in JUP has not been previously reported in individuals wit h cardiomyopathy. Data from large population studies is insufficient to assess t he frequency of this variant. Computational prediction tools and conservation an alysis suggest that the Arg637Cys variant may not impact the protein, though thi s information is not predictive enough to rule out pathogenicity. In summary, th e clinical significance of the Arg637Cys variant is uncertain.

Diagnostic Laboratory, Department of Genetics, University Medical Center Groningen
Classification: Uncertain significance. Review status: no assertion criteria provided. Collection method: clinical testing. Allele origin: germline. Affected: yes. Study: VKGL Data-share Consensus. Not counted in ClinVar's aggregate classification.

Genome Diagnostics Laboratory, University Medical Center Utrecht
Classification: Uncertain significance. Review status: no assertion criteria provided. Collection method: clinical testing. Allele origin: germline. Affected: yes. Study: VKGL Data-share Consensus. Not counted in ClinVar's aggregate classification.

Literature cited by the submitters: PubMed 33500567 (cited by 3 submitters).

NM_002230.4(JUP):c.1909C>T (p.Arg637Cys)

Gene: JUP (junction plakoglobin; minus strand). Cytogenetic location: 17q21.2.
Variant type: single nucleotide variant.
Coding change: c.1909C>T on transcript NM_002230.4 (MANE Select); coding-DNA position 1909, C replaced by T.
Protein change: p.Arg637Cys; replaces arginine 637 with cysteine.
Molecular consequence: missense variant.
Genome position (GRCh38, 1-based): chr17:41,757,649, G>A on the plus strand (C>T on the coding strand, the complement: JUP is on the minus strand). VCF-style: chr17-41757649-G-A. GRCh37 (hg19) VCF-style: chr17-39913901-G-A.
Other names: c.1909C>T, p.Arg637Cys (NM_001352773.2, NM_001352774.2, NM_001352775.2 and 3 more transcripts); short protein forms R637C.
Identifiers: ClinVar variation 179915 (VCV000179915.20), dbSNP rs531732438, ClinGen allele CA185419.